The following is an entry in ClinVar:

NM_000091.5(COL4A3):c.2417del (p.Pro806fs)

Genes: COL4A3 (collagen type IV alpha 3 chain; plus strand), MFF-DT (MFF divergent transcript; minus strand). Cytogenetic location: 2q36.3.
Variant type: Deletion.
Coding change: c.2417del on transcript NM_000091.5 (MANE Select); coding-DNA position 2417, one base deleted (C; older notation c.2417delC).
Protein change: p.Pro806fs; shifts the reading frame from proline 806.
Molecular consequence: frameshift variant.
Genome position (GRCh38, 1-based): chr2:227,280,935, C deleted; the last of 5 consecutive C bases (chr2:227,280,931-227,280,935); deleting any one gives the same sequence. VCF-style (leftmost placement, unchanged base first): chr2-227280930-AC-A. GRCh37 (hg19) VCF-style: chr2-228145646-AC-A.
Other names: short protein forms P806fs.
Identifiers: ClinVar variation 4817221 (VCV004817221.1).
Genomic context (GRCh38, chr2:227,280,930, plus strand): 5'-TATACTTGTGCTTTCTTTTGCAGGAGATCCAGGGCAGCCTGGACCACCTGGAGAACAAGG[AC>A]CCCCAGGAAGGTGCATAGAGGGTCCCAGGGGAGCCCAAGGACTTCCAGGCTTAAATGGAT-3'

ClinVar aggregate classification (germline): Likely pathogenic (1 of 4 stars; one submission).

Conditions:
Alport syndrome. Also called: Hemorrhagic familial nephritis; Hemorrhagic hereditary nephritis; Congenital hereditary hematuria. Identifiers: Orphanet 63, MedGen C1567741, MONDO:0018965.

Submission:

Natera, Inc.
Classification: Likely pathogenic for Alport syndrome. Last evaluated: 2025-09-29. Review status: criteria provided, single submitter. Criteria: Natera Variant Classification Schema (03/2026). Collection method: clinical testing. Allele origin: germline.
Comment: The c.2417delC variant in COL4A3 is a frameshift variant predicted to shift the reading frame beginning at codon 806 and leads to a stop codon 5 codons downstream. This variant is expected to result in nonsense mediated decay, truncation, or a dysfunctional protein product. This variant is rare in the general population with a frequency below the threshold expected for the associated phenotype(s). Given the available evidence, this variant is classified as Likely Pathogenic.